The following is an entry in ClinVar:

NM_000642.3(AGL):c.4371T>G (p.Tyr1457Ter)

Gene: AGL (amylo-alpha-1,6-glucosidase and 4-alpha-glucanotransferase; plus strand). Cytogenetic location: 1p21.2.
Variant type: single nucleotide variant.
Coding change: c.4371T>G on transcript NM_000642.3 (MANE Select); coding-DNA position 4371, T replaced by G.
Protein change: p.Tyr1457Ter; replaces tyrosine 1457 with a stop codon.
Molecular consequence: nonsense.
Genome position (GRCh38, 1-based): chr1:99,916,621, T>G. VCF-style: chr1-99916621-T-G. GRCh37 (hg19) VCF-style: chr1-100382177-T-G.
Other names: c.4371T>G, p.Tyr1457Ter (NM_000028.3, NM_000643.3, NM_000644.3 and 1 more transcripts); c.4323T>G, p.Tyr1441Ter (NM_000646.3); c.4350T>G, p.Tyr1450Ter (NM_001425326.1); c.4170T>G, p.Tyr1390Ter (NM_001425327.1); c.4167T>G, p.Tyr1389Ter (NM_001425328.1); c.4032T>G, p.Tyr1344Ter (NM_001425329.1); c.3993T>G, p.Tyr1331Ter (NM_001425332.1); short protein forms Y1441*, Y1457*, Y1331*, Y1344*, Y1389*, Y1390*, Y1450*.
Identifiers: ClinVar variation 981458 (VCV000981458.4), dbSNP rs1655136943, ClinGen allele CA341342440.

ClinVar aggregate classification (germline): Pathogenic. Review status: criteria provided, multiple submitters, no conflicts (2 of 4 stars). 3 submissions from 3 submitters: Pathogenic (3). Last evaluated 2023-04-11.

Conditions:
Glycogen storage disease type III (GSD3). Also called: Cori disease; FORBES DISEASE. Identifiers: Orphanet 366, MedGen C0017922, MONDO:0009291, OMIM 232400.

Submissions (3):

Genome-Nilou Lab
Classification: Pathogenic for Glycogen storage disease type III. Last evaluated: 2023-04-11. Review status: criteria provided, single submitter. Criteria: ACMG Guidelines, 2015. Collection method: clinical testing. Allele origin: germline. Affected: no.

Centre for Human Genetics
Classification: Pathogenic for Glycogen storage disease type III. Last evaluated: 2017-06-01. Review status: criteria provided, single submitter. Criteria: ACMG Guidelines, 2015. Collection method: clinical testing. Allele origin: inherited. Inheritance: Autosomal recessive inheritance. Affected: yes. Observed: 1 variant allele.
Comment: disease causing

Suma Genomics
Classification: Pathogenic for Glycogen storage disease type III. Review status: criteria provided, single submitter. Criteria: ACMG Guidelines, 2015. Collection method: clinical testing. Allele origin: inherited. Inheritance: Autosomal recessive inheritance. Affected: yes.